The following is an entry in ClinVar:

ClinVar aggregate classification (germline): Uncertain significance (1 of 4 stars; one submission).

Conditions:
GCKR-related disorder. Also called: GCKR-related condition.

Allele frequency attached by ClinVar (database versions not stated): TOPMed below 0.00001; gnomAD 0.00001; gnomAD exomes 0.00004.
gnomAD v4.1: 63 of 1,608,698 alleles (0.0039%); highest among the groups gnomAD compares: Non-Finnish European, 0.0054%; no homozygotes.

Submission:

PreventionGenetics, part of Exact Sciences
Classification: Uncertain significance for GCKR-related condition. Last evaluated: 2023-06-20. Review status: criteria provided, single submitter. Criteria: ACMG Guidelines, 2015. Collection method: clinical testing. Allele origin: germline.
Comment: The GCKR c.1339-2A>C variant is predicted to disrupt the AG splice acceptor site and interfere with normal splicing. To our knowledge, this variant has not been reported in the literature. This variant is reported in 0.0018% of alleles in individuals of European (Non-Finnish) descent in gnomAD. Other early termination changes have been documented as causative for high triglycerides up and downstream. Although we suspect that this variant may be pathogenic, at this time, the clinical significance of this variant is uncertain due to the absence of conclusive functional and genetic evidence.

NM_001486.4(GCKR):c.1339-2A>C

Gene: GCKR (glucokinase regulator; plus strand). Cytogenetic location: 2p23.3.
Variant type: single nucleotide variant.
Coding change: c.1339-2A>C on transcript NM_001486.4 (MANE Select); the canonical splice acceptor site of the intron before coding-DNA position 1339, A replaced by C.
Molecular consequence: splice acceptor variant.
Genome position (GRCh38, 1-based): chr2:27,508,166, A>C. VCF-style: chr2-27508166-A-C. GRCh37 (hg19) VCF-style: chr2-27731033-A-C.
Identifiers: ClinVar variation 2636739 (VCV002636739.1), dbSNP rs199605744, ClinGen allele CA44543454.